The following is an entry in ClinVar:

NM_000038.6(APC):c.5674G>A (p.Ala1892Thr)

Gene: APC (APC regulator of Wnt signaling pathway; plus strand). Cytogenetic location: 5q22.2.
Variant type: single nucleotide variant.
Coding change: c.5674G>A on transcript NM_000038.6 (MANE Select); coding-DNA position 5674, G replaced by A.
Protein change: p.Ala1892Thr; replaces alanine 1892 with threonine.
Molecular consequence: missense variant.
Genome position (GRCh38, 1-based): chr5:112,841,268, G>A. VCF-style: chr5-112841268-G-A. GRCh37 (hg19) VCF-style: chr5-112176965-G-A.
Other names: c.5674G>A, p.Ala1892Thr (NM_001127510.3, NM_001354895.2); c.5620G>A, p.Ala1874Thr (NM_001127511.3); c.5728G>A, p.Ala1910Thr (NM_001354896.2); c.5704G>A, p.Ala1902Thr (NM_001354897.2); c.5599G>A, p.Ala1867Thr (NM_001354898.2); c.5590G>A, p.Ala1864Thr (NM_001354899.2); c.5551G>A, p.Ala1851Thr (NM_001354900.2); c.5497G>A, p.Ala1833Thr (NM_001354901.2); and 5 more; short protein forms A1874T, A1892T, A1766T, A1864T, A1791T, A1801T, A1867T, A1910T.
Identifiers: ClinVar variation 231419 (VCV000231419.11), dbSNP rs868519642, ClinGen allele CA10578409.

ClinVar aggregate classification (germline): Uncertain significance. Review status: criteria provided, multiple submitters, no conflicts (2 of 4 stars). 2 submissions from 2 submitters: Uncertain significance (2). Last evaluated 2023-09-21.

Conditions:
Hereditary cancer-predisposing syndrome. Also called: Neoplastic Syndromes, Hereditary; Tumor predisposition; Hereditary Cancer Syndrome; Hereditary neoplastic syndrome. Identifiers: Orphanet 140162, MedGen C0027672, MeSH D009386, MONDO:0015356.
Familial adenomatous polyposis 1 (FAP1). Also called: FAMILIAL ADENOMATOUS POLYPOSIS 1, ATTENUATED; POLYPOSIS, ADENOMATOUS INTESTINAL. Identifiers: MedGen C2713442, MONDO:0021056, OMIM 175100. Disease mechanism: loss of function.

Submissions (2):

Labcorp Genetics (formerly Invitae), Labcorp
Classification: Uncertain significance for Familial adenomatous polyposis 1. Last evaluated: 2023-09-21. Review status: criteria provided, single submitter. Criteria: Invitae Variant Classification Sherloc (09022015). Collection method: clinical testing. Allele origin: germline.
Comment: In summary, the available evidence is currently insufficient to determine the role of this variant in disease. Therefore, it has been classified as a Variant of Uncertain Significance. Advanced modeling of protein sequence and biophysical properties (such as structural, functional, and spatial information, amino acid conservation, physicochemical variation, residue mobility, and thermodynamic stability) performed at Invitae indicates that this missense variant is not expected to disrupt APC protein function. ClinVar contains an entry for this variant (Variation ID: 231419). This variant has not been reported in the literature in individuals affected with APC-related conditions. This variant is not present in population databases (gnomAD no frequency). This sequence change replaces alanine, which is neutral and non-polar, with threonine, which is neutral and polar, at codon 1892 of the APC protein (p.Ala1892Thr).

Ambry Genetics
Classification: Uncertain significance for Hereditary cancer-predisposing syndrome. Last evaluated: 2015-04-29. Review status: criteria provided, single submitter. Criteria: Ambry Variant Classification Scheme 2023. Collection method: clinical testing. Allele origin: germline.
Comment: The p.A1892T variant (also known as c.5674G>A), located in coding exon 15 of the APC gene, results from a G to A substitution at nucleotide position 5674. The alanine at codon 1892 is replaced by threonine, an amino acid with similar properties. This variant was not reported in population based cohorts in the following databases: Database of Single Nucleotide Polymorphisms (dbSNP), NHLBI Exome Sequencing Project (ESP), and 1000 Genomes Project. In the ESP, this variant was not observed in 6502 samples (13004 alleles) with coverage at this position. To date, this alteration has been detected with an allele frequency of approximately 0.003% (greater than 32000 alleles tested) in our clinical cohort. This amino acid position is not well conserved in available vertebrate species. In addition, in silico predictors for this gene do not accurately predict pathogenicity. Since supporting evidence is limited at this time, the clinical significance of p.A1892T remains unclear.